The following is an entry in ClinVar:

NM_005476.7(GNE):c.176G>A (p.Arg59Gln)

Gene: GNE (glucosamine (UDP-N-acetyl)-2-epimerase/N-acetylmannosamine kinase; minus strand). Cytogenetic location: 9p13.3.
Variant type: single nucleotide variant.
Coding change: c.176G>A on transcript NM_005476.7 (MANE Select); coding-DNA position 176, G replaced by A.
Protein change: p.Arg59Gln; replaces arginine 59 with glutamine.
Molecular consequence: missense variant. On other transcripts: 5 prime UTR variant (3).
Genome position (GRCh38, 1-based): chr9:36,246,471, C>T on the plus strand (G>A on the coding strand, the complement: GNE is on the minus strand). VCF-style: chr9-36246471-C-T. GRCh37 (hg19) VCF-style: chr9-36246468-C-T.
Other names: c.269G>A, p.Arg90Gln (NM_001128227.3); c.176G>A, p.Arg59Gln (NM_001190383.3, NM_001374797.1); c.-2G>A (NM_001190384.3, NM_001190388.2, NM_001374798.1); short protein forms R59Q, R90Q.
Identifiers: ClinVar variation 1370143 (VCV001370143.9), dbSNP rs1829880006, ClinGen allele CA373419992.
Genomic context (GRCh38, chr9:36,246,471, plus strand): 5'-TCTCCCCTCACAATTGTGTGTAGCCTGGTGTTAATGTCAAAGTCATCTTGTTCAATCATT[C>T]GATATGTATTTCTAAAGCCGGGGAGAAATAAAGATATAAGAACATGTTCTTAAACACAGA-3'
Protein context (NP_005467.1, residues 49-69): HLIDDYGNTY[Arg59Gln]MIEQDDFDIN

ClinVar aggregate classification (germline): Uncertain significance. Review status: criteria provided, multiple submitters, no conflicts (2 of 4 stars). 2 submissions from 2 submitters: Uncertain significance (2). Last evaluated 2022-03-08.

Conditions:
Sialuria. Also called: Sialic Acid Storage Disease; SIALURIA, FRENCH TYPE. Identifiers: Orphanet 3166, MedGen C0342853, MONDO:0010028, OMIM 269921.
GNE myopathy (NM). Also called: IBM 2; Inclusion body myopathy autosomal recessive; Inclusion body myopathy quadriceps sparing; MYOPATHY, DISTAL, WITH OR WITHOUT RIMMED VACUOLES; NONAKA DISTAL MYOPATHY; INCLUSION BODY MYOPATHY, HEREDITARY, AUTOSOMAL RECESSIVE. Identifiers: Orphanet 602, MedGen C1853926, MONDO:0011603, OMIM 605820.

Allele frequency attached by ClinVar (database versions not stated): gnomAD exomes below 0.00001.
gnomAD v4.1: 1 of 1,611,342 alleles (0.000062%); highest among the groups gnomAD compares: Non-Finnish European, 0.000085%; no homozygotes.

Submissions (2):

Labcorp Genetics (formerly Invitae), Labcorp
Classification: Uncertain significance for Sialuria; GNE myopathy. Last evaluated: 2022-03-08. Review status: criteria provided, single submitter. Criteria: Invitae Variant Classification Sherloc (09022015). Collection method: clinical testing. Allele origin: germline.
Comment: In summary, the available evidence is currently insufficient to determine the role of this variant in disease. Therefore, it has been classified as a Variant of Uncertain Significance. Algorithms developed to predict the effect of missense changes on protein structure and function (SIFT, PolyPhen-2, Align-GVGD) all suggest that this variant is likely to be disruptive. This variant has not been reported in the literature in individuals affected with GNE-related conditions. This variant is not present in population databases (gnomAD no frequency). This sequence change replaces arginine, which is basic and polar, with glutamine, which is neutral and polar, at codon 90 of the GNE protein (p.Arg90Gln).

Blueprint Genetics
Classification: Uncertain significance. Last evaluated: 2020-10-07. Review status: criteria provided, single submitter. Criteria: ACMG Guidelines, 2015. Collection method: clinical testing. Allele origin: germline.